The following is an entry in ClinVar:

NM_000051.4(ATM):c.1309A>C (p.Met437Leu)

Gene: ATM (ATM serine/threonine kinase; plus strand). Cytogenetic location: 11q22.3.
Variant type: single nucleotide variant.
Coding change: c.1309A>C on transcript NM_000051.4 (MANE Select); coding-DNA position 1309, A replaced by C.
Protein change: p.Met437Leu; replaces methionine 437 with leucine.
Molecular consequence: missense variant.
Genome position (GRCh38, 1-based): chr11:108,250,774, A>C. VCF-style: chr11-108250774-A-C. GRCh37 (hg19) VCF-style: chr11-108121501-A-C.
Other names: c.1309A>C, p.Met437Leu (NM_001351834.2); short protein forms M437L.
Identifiers: ClinVar variation 1463295 (VCV001463295.6), dbSNP rs2135318098, ClinGen allele CA382533628.

ClinVar aggregate classification (germline): Uncertain significance (1 of 4 stars; one submission).

Conditions:
Ataxia-telangiectasia syndrome (AT). Also called: Ataxia-telangiectasia, complementation group D; AT, COMPLEMENTATION GROUP C; Cerebello-oculocutaneous telangiectasia; Immunodeficiency with ataxia telangiectasia; Ataxia-telangiectasia, complementation group E; LOUIS-BAR SYNDROME. Identifiers: Orphanet 100, MedGen C0004135, MONDO:0008840, OMIM 208900.

Submission:

Labcorp Genetics (formerly Invitae), Labcorp
Classification: Uncertain significance for Ataxia-telangiectasia syndrome. Last evaluated: 2025-10-05. Review status: criteria provided, single submitter. Criteria: Invitae Variant Classification Sherloc (09022015). Collection method: clinical testing. Allele origin: germline.
Comment: This sequence change replaces methionine, which is neutral and non-polar, with leucine, which is neutral and non-polar, at codon 437 of the ATM protein (p.Met437Leu). This variant is not present in population databases (gnomAD no frequency). This variant has not been reported in the literature in individuals affected with ATM-related conditions. ClinVar contains an entry for this variant (Variation ID: 1463295). Invitae Evidence Modeling of protein sequence and biophysical properties (such as structural, functional, and spatial information, amino acid conservation, physicochemical variation, residue mobility, and thermodynamic stability) indicates that this missense variant is not expected to disrupt ATM protein function with a negative predictive value of 95%. In summary, the available evidence is currently insufficient to determine the role of this variant in disease. Therefore, it has been classified as a Variant of Uncertain Significance.